The following is an entry in ClinVar:

NM_001127222.2(CACNA1A):c.6706G>T (p.Gly2236Cys)

Gene: CACNA1A (calcium voltage-gated channel subunit alpha1 A; minus strand). Cytogenetic location: 19p13.13.
Variant type: single nucleotide variant.
Coding change: c.6706G>T on transcript NM_001127222.2 (MANE Select); coding-DNA position 6706, G replaced by T.
Protein change: p.Gly2236Cys; replaces glycine 2236 with cysteine.
Molecular consequence: missense variant.
Genome position (GRCh38, 1-based): chr19:13,208,830, C>A on the plus strand (G>T on the coding strand, the complement: CACNA1A is on the minus strand). VCF-style: chr19-13208830-C-A. GRCh37 (hg19) VCF-style: chr19-13319644-C-A.
Other names: c.6724G>T, p.Gly2242Cys (NM_000068.4, NM_023035.3); c.6709G>T, p.Gly2237Cys (NM_001127221.2); c.6715G>T, p.Gly2239Cys (NM_001174080.2); short protein forms G2237C, G2236C, G2242C, G2239C.
Identifiers: ClinVar variation 476274 (VCV000476274.9), dbSNP rs752808137, ClinGen allele CA404329617.

ClinVar aggregate classification (germline): Uncertain significance (1 of 4 stars; one submission).

Conditions:
Developmental and epileptic encephalopathy, 42 (DEE42A). Also called: DEVELOPMENTAL AND EPILEPTIC ENCEPHALOPATHY 42A; EPILEPTIC ENCEPHALOPATHY, EARLY INFANTILE, 42A; Epileptic encephalopathy, early infantile, 42. Identifiers: MedGen C4310716, MONDO:0014917, OMIM 617106.
Episodic ataxia type 2 (EA2). Also called: ACETAZOLAMIDE-RESPONSIVE HEREDITARY PAROXYSMAL CEREBELLAR ATAXIA; ATAXIA, EPISODIC, WITH NYSTAGMUS; ATAXIA, FAMILIAL PAROXYSMAL; CEREBELLAR ATAXIA, PAROXYSMAL, ACETAZOLAMIDE-RESPONSIVE; CEREBELLOPATHY, HEREDITARY PAROXYSMAL; EPISODIC ATAXIA, NYSTAGMUS-ASSOCIATED. Identifiers: Orphanet 97, MedGen C1720416, MONDO:0007163, OMIM 108500.

gnomAD v4.1: 1 of 1,488,660 alleles (0.000067%); highest among the groups gnomAD compares: African/African-American, 0.0014%; no homozygotes.

Submission:

Labcorp Genetics (formerly Invitae), Labcorp
Classification: Uncertain significance for Developmental and epileptic encephalopathy, 42; Episodic ataxia type 2. Last evaluated: 2024-04-18. Review status: criteria provided, single submitter. Criteria: Invitae Variant Classification Sherloc (09022015). Collection method: clinical testing. Allele origin: germline.
Comment: This sequence change replaces glycine, which is neutral and non-polar, with cysteine, which is neutral and slightly polar, at codon 2237 of the CACNA1A protein (p.Gly2237Cys). This variant is not present in population databases (gnomAD no frequency). This variant has not been reported in the literature in individuals affected with CACNA1A-related conditions. ClinVar contains an entry for this variant (Variation ID: 476274). Advanced modeling of protein sequence and biophysical properties (such as structural, functional, and spatial information, amino acid conservation, physicochemical variation, residue mobility, and thermodynamic stability) performed at Invitae indicates that this missense variant is not expected to disrupt CACNA1A protein function with a negative predictive value of 95%. In summary, the available evidence is currently insufficient to determine the role of this variant in disease. Therefore, it has been classified as a Variant of Uncertain Significance.